The following is an entry in ClinVar:

NM_001267550.2(TTN):c.6292C>T (p.Arg2098Trp)

Gene: TTN (titin; minus strand). Cytogenetic location: 2q31.2.
Variant type: single nucleotide variant.
Coding change: c.6292C>T on transcript NM_001267550.2 (MANE Select); coding-DNA position 6292, C replaced by T.
Protein change: p.Arg2098Trp; replaces arginine 2098 with tryptophan.
Molecular consequence: missense variant.
Genome position (GRCh38, 1-based): chr2:178,775,572, G>A on the plus strand (C>T on the coding strand, the complement: TTN is on the minus strand). VCF-style: chr2-178775572-G-A. GRCh37 (hg19) VCF-style: chr2-179640299-G-A.
Other names: c.6154C>T, p.Arg2052Trp (NM_133437.4, NM_003319.4, NM_133432.3); c.6292C>T, p.Arg2098Trp (NM_001256850.1, NM_133378.4, NM_133379.5); short protein forms R2052W, R2098W.
Identifiers: ClinVar variation 1285157 (VCV001285157.6), dbSNP rs763722868, ClinGen allele CA2005077.

ClinVar aggregate classification (germline): Uncertain significance. Review status: criteria provided, multiple submitters, no conflicts (2 of 4 stars). 4 submissions from 4 submitters: Uncertain significance (2). 2 of the submissions do not count toward it. Last evaluated 2022-02-23.

Conditions:
Cardiovascular phenotype. Identifiers: MedGen CN230736.
Autosomal recessive limb-girdle muscular dystrophy type 2J (LGMDR10). Also called: Limb-girdle muscular dystrophy, type 2J; MUSCULAR DYSTROPHY, LIMB-GIRDLE, AUTOSOMAL RECESSIVE 10. Identifiers: Orphanet 140922, MedGen C1837342, MONDO:0012127, OMIM 608807.
Hypertrophic cardiomyopathy 9. Also called: Familial hypertrophic cardiomyopathy 9. Identifiers: MedGen C1861065, MONDO:0013412, OMIM 613765.
Early-onset myopathy with fatal cardiomyopathy (CMYO5). Also called: CONGENITAL MYOPATHY 5 WITH CARDIOMYOPATHY; Salih Myopathy. Identifiers: Orphanet 289377, MedGen C2673677, MONDO:0012714, OMIM 611705. Disease mechanism: loss of function.
Dilated cardiomyopathy 1G (CMD1G). Identifiers: Orphanet 154, MedGen C1858763, MONDO:0011400, OMIM 604145.
Myopathy, myofibrillar, 9, with early respiratory failure (MFM9). Also called: Hereditary myopathy with early respiratory failure; EDSTROM MYOPATHY; MYOPATHY, PROXIMAL, WITH EARLY RESPIRATORY MUSCLE INVOLVEMENT; Myopathy, distal, with early respiratory failure, autosomal dominant. Identifiers: Orphanet 178464, Orphanet 34521, MedGen C1863599, MONDO:0011362, OMIM 603689.
Tibial muscular dystrophy (TMD). Also called: Udd Distal Myopathy – Tibial Muscular Dystrophy; UDD MYOPATHY; Tibial muscular dystrophy, tardive. Identifiers: Orphanet 609, MedGen C1838244, MONDO:0010870, OMIM 600334.

Allele frequency attached by ClinVar (database versions not stated): TOPMed 0.00002.
gnomAD v4.1: 17 of 1,614,014 alleles (0.0011%); highest among the groups gnomAD compares: African/African-American, 0.0053%; no homozygotes.

Submissions (4):

Fulgent Genetics
Classification: Uncertain significance for Tibial muscular dystrophy; Myopathy, myofibrillar, 9, with early respiratory failure; Dilated cardiomyopathy 1G; Autosomal recessive limb-girdle muscular dystrophy type 2J; Early-onset myopathy with fatal cardiomyopathy; Hypertrophic cardiomyopathy 9. Last evaluated: 2022-02-23. Review status: criteria provided, single submitter. Criteria: ACMG Guidelines, 2015. Collection method: clinical testing. Allele origin: unknown.

Ambry Genetics
Classification: Uncertain significance for Cardiovascular phenotype. Last evaluated: 2020-07-10. Review status: criteria provided, single submitter. Criteria: Ambry Variant Classification Scheme 2023. Collection method: clinical testing. Allele origin: germline.
Comment: The p.R2052W variant (also known as c.6154C>T), located in coding exon 26 of the TTN gene, results from a C to T substitution at nucleotide position 6154. The arginine at codon 2052 is replaced by tryptophan, an amino acid with dissimilar properties. This amino acid position is highly conserved in available vertebrate species. In addition, the in silico prediction for this alteration is inconclusive. Since supporting evidence is limited at this time, the clinical significance of this alteration remains unclear.

Genome Diagnostics Laboratory, University Medical Center Utrecht
Classification: Uncertain significance. Review status: no assertion criteria provided. Collection method: clinical testing. Allele origin: germline. Affected: yes. Study: VKGL Data-share Consensus. Not counted in ClinVar's aggregate classification.

Joint Genome Diagnostic Labs from Nijmegen and Maastricht, Radboudumc and MUMC+
Classification: Uncertain significance. Review status: no assertion criteria provided. Collection method: clinical testing. Allele origin: germline. Affected: yes. Study: VKGL Data-share Consensus. Not counted in ClinVar's aggregate classification.